The following is an entry in ClinVar:

ClinVar aggregate classification (germline): Uncertain significance (1 of 4 stars; one submission).

Conditions:
Hereditary cancer-predisposing syndrome. Also called: Tumor predisposition; Neoplastic Syndromes, Hereditary; Hereditary neoplastic syndrome; Hereditary Cancer Syndrome. Identifiers: Orphanet 140162, MedGen C0027672, MeSH D009386, MONDO:0015356.

Submission:

Ambry Genetics
Classification: Uncertain significance for Hereditary cancer-predisposing syndrome. Last evaluated: 2025-08-27. Review status: criteria provided, single submitter. Criteria: Ambry Variant Classification Scheme 2023. Collection method: clinical testing. Allele origin: germline.
Comment: The p.K361R variant (also known as c.1082A>G), located in coding exon 12 of the MUTYH gene, results from an A to G substitution at nucleotide position 1082. The lysine at codon 361 is replaced by arginine, an amino acid with highly similar properties. This amino acid position is conserved. In addition, the in silico prediction for this alteration is inconclusive. Based on the available evidence, the clinical significance of this variant remains unclear.

NM_001048174.2(MUTYH):c.998A>G (p.Lys333Arg)

Gene: MUTYH (mutY DNA glycosylase; minus strand). Cytogenetic location: 1p34.1.
Variant type: single nucleotide variant.
Coding change: c.998A>G on transcript NM_001048174.2 (MANE Select); coding-DNA position 998, A replaced by G.
Protein change: p.Lys333Arg; replaces lysine 333 with arginine.
Molecular consequence: missense variant. On other transcripts: non-coding transcript variant (7).
Genome position (GRCh38, 1-based): chr1:45,331,765, T>C on the plus strand (A>G on the coding strand, the complement: MUTYH is on the minus strand). VCF-style: chr1-45331765-T-C. GRCh37 (hg19) VCF-style: chr1-45797437-T-C.
Other names: c.1082A>G, p.Lys361Arg (NM_001128425.2); c.1043A>G, p.Lys348Arg (NM_001293190.2); c.1031A>G, p.Lys344Arg (NM_001293191.2, NM_001407069.1, NM_001407077.1); c.722A>G, p.Lys241Arg (NM_001293192.2, NM_001293196.2, NM_001407091.1); c.998A>G, p.Lys333Arg (NM_001293195.2, NM_001407081.1, NM_001407088.1 and 6 more transcripts); c.653A>G, p.Lys218Arg (NM_001350650.2, NM_001407082.1, NM_001350651.2); c.956A>G, p.Lys319Arg (NM_001407080.1); c.1040A>G, p.Lys347Arg (NM_001407083.1, NM_001407085.1); and 5 more; short protein forms K333R, K218R, K305R, K319R, K320R, K347R, K334R, K340R.
Identifiers: ClinVar variation 4112991 (VCV004112991.1).